The following is an entry in ClinVar:

NM_013275.6(ANKRD11):c.1397A>C (p.Glu466Ala)

Gene: ANKRD11 (ankyrin repeat domain 11; minus strand). Cytogenetic location: 16q24.3.
Variant type: single nucleotide variant.
Coding change: c.1397A>C on transcript NM_013275.6 (MANE Select); coding-DNA position 1397, A replaced by C.
Protein change: p.Glu466Ala; replaces glutamic acid 466 with alanine.
Molecular consequence: missense variant.
Genome position (GRCh38, 1-based): chr16:89,285,145, T>G on the plus strand (A>C on the coding strand, the complement: ANKRD11 is on the minus strand). VCF-style: chr16-89285145-T-G. GRCh37 (hg19) VCF-style: chr16-89351553-T-G.
Other names: c.1397A>C, p.Glu466Ala (NM_001256182.2, NM_001256183.2); short protein forms E466A.
Identifiers: ClinVar variation 4686880 (VCV004686880.1).

ClinVar aggregate classification (germline): Uncertain significance (1 of 4 stars; one submission).

Submission:

GeneDx
Classification: Uncertain significance. Last evaluated: 2025-07-23. Review status: criteria provided, single submitter. Criteria: GeneDx Variant Classification Process June 2021. Collection method: clinical testing. Allele origin: germline. Affected: yes.
Comment: Not observed at significant frequency in large population cohorts (gnomAD); In silico analysis supports that this missense variant has a deleterious effect on protein structure/function; Has not been previously published as pathogenic or benign to our knowledge